The following is an entry in ClinVar:

NM_014391.3(ANKRD1):c.553-7G>A

Gene: ANKRD1 (ankyrin repeat domain 1; minus strand). Cytogenetic location: 10q23.31.
Variant type: single nucleotide variant.
Coding change: c.553-7G>A on transcript NM_014391.3 (MANE Select); 7 bases into the intron before coding-DNA position 553, G replaced by A.
Molecular consequence: intron variant.
Genome position (GRCh38, 1-based): chr10:90,916,276, C>T on the plus strand (G>A on the coding strand, the complement: ANKRD1 is on the minus strand). VCF-style: chr10-90916276-C-T. GRCh37 (hg19) VCF-style: chr10-92676033-C-T.
Identifiers: ClinVar variation 933490 (VCV000933490.9), dbSNP rs1847373596, ClinGen allele CA931094531.

ClinVar aggregate classification (germline): Uncertain significance (1 of 4 stars; one submission).

Conditions:
ANKRD1-related dilated cardiomyopathy. Identifiers: MedGen CN119551.

Allele frequency attached by ClinVar (database versions not stated): gnomAD exomes below 0.00001; gnomAD 0.00001; TOPMed 0.00001.
gnomAD v4.1: 2 of 1,606,838 alleles (0.00012%); highest among the groups gnomAD compares: East Asian, 0.0022%; no homozygotes.

Submission:

Labcorp Genetics (formerly Invitae), Labcorp
Classification: Uncertain significance for ANKRD1-related dilated cardiomyopathy. Last evaluated: 2019-10-02. Review status: criteria provided, single submitter. Criteria: Invitae Variant Classification Sherloc (09022015). Collection method: clinical testing. Allele origin: germline.
Comment: In summary, the available evidence is currently insufficient to determine the role of this variant in disease. Therefore, it has been classified as a Variant of Uncertain Significance. Algorithms developed to predict the effect of sequence changes on RNA splicing suggest that this variant may disrupt the consensus splice site, but this prediction has not been confirmed by published transcriptional studies. This variant has not been reported in the literature in individuals with ANKRD1-related conditions. This variant is not present in population databases (ExAC no frequency). This sequence change falls in intron 5 of the ANKRD1 gene. It does not directly change the encoded amino acid sequence of the ANKRD1 protein.